The following is an entry in ClinVar:

ClinVar aggregate classification (germline): Uncertain significance. Review status: criteria provided, multiple submitters, no conflicts (2 of 4 stars). 4 submissions from 4 submitters: Uncertain significance (4). Last evaluated 2025-12-29.

Conditions:
SH3TC2-related disorder. Also called: SH3TC2-related condition; SH3TC2-related disorders. Identifiers: MedGen CN239303.
Charcot-Marie-Tooth disease type 4. Also called: Charcot-Marie-Tooth disease, type IV; Charcot-Marie-Tooth, Type 4. Identifiers: Orphanet 64749, MedGen C4082197, MONDO:0018995.

Allele frequency attached by ClinVar (database versions not stated): gnomAD exomes 0.00004 and 0.00002; ExAC 0.00006; ESP Exome Variant Server 0.00008; gnomAD 0.00001; TOPMed 0.00002.
gnomAD v4.1: 33 of 1,613,906 alleles (0.002%); highest among the groups gnomAD compares: Non-Finnish European, 0.0027%; no homozygotes.

Submissions (4):

Women's Health and Genetics/Laboratory Corporation of America, LabCorp
Classification: Uncertain significance. Last evaluated: 2025-12-29. Review status: criteria provided, single submitter. Criteria: LabCorp Variant Classification Summary - May 2015. Collection method: clinical testing. Allele origin: germline.
Comment: Variant summary: SH3TC2 c.2407G>A (p.Ala803Thr) results in a non-conservative amino acid change in the encoded protein sequence. Algorithms developed to predict the effect of missense changes on protein structure and function all suggest that this variant is likely to be disruptive. The variant allele was found at a frequency of 4e-05 in 250808 control chromosomes. This frequency is not significantly higher than estimated for disease-causing variants in SH3TC2, allowing no conclusion about variant significance. To our knowledge, no occurrence of c.2407G>A in individuals affected with SH3TC2-related conditions and no experimental evidence demonstrating its impact on protein function have been reported. ClinVar contains an entry for this variant (Variation ID: 578181). Based on the evidence outlined above, the variant was classified as uncertain significance.

PreventionGenetics, part of Exact Sciences
Classification: Uncertain significance for SH3TC2-related condition. Last evaluated: 2025-06-10. Review status: criteria provided, single submitter. Criteria: ACMG Guidelines, 2015. Collection method: clinical testing. Allele origin: germline.
Comment: The SH3TC2 c.2407G>A variant is predicted to result in the amino acid substitution p.Ala803Thr. To our knowledge, this variant has not been reported in the literature. This variant is reported in 0.0088% of alleles in individuals of European (non-Finnish) descent in gnomAD. At this time, the clinical significance of this variant is uncertain due to the absence of conclusive functional and genetic evidence.

Labcorp Genetics (formerly Invitae), Labcorp
Classification: Uncertain significance for Charcot-Marie-Tooth disease type 4. Last evaluated: 2024-11-01. Review status: criteria provided, single submitter. Criteria: Invitae Variant Classification Sherloc (09022015). Collection method: clinical testing. Allele origin: germline.
Comment: This sequence change replaces alanine, which is neutral and non-polar, with threonine, which is neutral and polar, at codon 803 of the SH3TC2 protein (p.Ala803Thr). This variant has not been reported in the literature in individuals affected with SH3TC2-related conditions. Algorithms developed to predict the effect of missense changes on protein structure and function (SIFT, PolyPhen-2, Align-GVGD) all suggest that this variant is likely to be disruptive. In summary, the available evidence is currently insufficient to determine the role of this variant in disease. Therefore, it has been classified as a Variant of Uncertain Significance.

GeneDx
Classification: Uncertain significance. Last evaluated: 2019-12-12. Review status: criteria provided, single submitter. Criteria: GeneDx Variant Classification Process June 2021. Collection method: clinical testing. Allele origin: germline. Affected: yes.
Comment: Not observed at a significant frequency in large population cohorts (Lek et al., 2016); In silico analysis, which includes protein predictors and evolutionary conservation, supports a deleterious effect; Has not been previously published as pathogenic or benign to our knowledge

NM_024577.4(SH3TC2):c.2407G>A (p.Ala803Thr)

Gene: SH3TC2 (SH3 domain and tetratricopeptide repeats 2; minus strand). Cytogenetic location: 5q32.
Variant type: single nucleotide variant.
Coding change: c.2407G>A on transcript NM_024577.4 (MANE Select); coding-DNA position 2407, G replaced by A.
Protein change: p.Ala803Thr; replaces alanine 803 with threonine.
Molecular consequence: missense variant.
Genome position (GRCh38, 1-based): chr5:149,027,325, C>T on the plus strand (G>A on the coding strand, the complement: SH3TC2 is on the minus strand). VCF-style: chr5-149027325-C-T. GRCh37 (hg19) VCF-style: chr5-148406888-C-T.
Other names: short protein forms A803T.
Identifiers: ClinVar variation 578181 (VCV000578181.11), dbSNP rs377434575, ClinGen allele CA3499004.
Genomic context (GRCh38, chr5:149,027,325, plus strand): 5'-GCAGTGGCTCAAGCACATCCAAAGCCTTCTTGGCCTGGCTGGCTAAGAGATAGGCCCATG[C>T]CAGGCAGAGAGAAGACTCAAAGGATTCCTGCTCACCCAGCAGCTGCCCTAGCACCAAGGC-3'
Protein context (NP_078853.2, residues 793-813): QESFESSLCL[Ala803Thr]WAYLLASQAK